The following is an entry in ClinVar:

ClinVar aggregate classification (germline): Pathogenic (1 of 4 stars; one submission).

Submission:

Labcorp Genetics (formerly Invitae), Labcorp
Classification: Pathogenic. Last evaluated: 2022-05-18. Review status: criteria provided, single submitter. Criteria: Invitae Variant Classification Sherloc (09022015). Collection method: clinical testing. Allele origin: germline.
Comment: For these reasons, this variant has been classified as Pathogenic. This variant has not been reported in the literature in individuals affected with BSND-related conditions. This variant is not present in population databases (gnomAD no frequency). This sequence change creates a premature translational stop signal (p.Ile49Hisfs*18) in the BSND gene. It is expected to result in an absent or disrupted protein product. Loss-of-function variants in BSND are known to be pathogenic (PMID: 11687798).

Literature cited by the submitters: PubMed 11687798.

NM_057176.3(BSND):c.143dup (p.Ile49fs)

Gene: BSND (barttin CLCNK type accessory subunit beta; plus strand). Cytogenetic location: 1p32.3.
Variant type: Duplication.
Coding change: c.143dup on transcript NM_057176.3 (MANE Select); coding-DNA position 143, one base duplicated (G; older notation c.143dupG).
Protein change: p.Ile49fs; shifts the reading frame from isoleucine 49.
Molecular consequence: frameshift variant.
Genome position (GRCh38, 1-based): chr1:54,999,329, G duplicated; the last of 5 consecutive G bases (chr1:54,999,325-54,999,329); duplicating any one gives the same sequence. VCF-style (leftmost placement, unchanged base first): chr1-54999324-C-CG. GRCh37 (hg19) VCF-style: chr1-55464997-C-CG.
Other names: short protein forms I49fs.
Identifiers: ClinVar variation 2103107 (VCV002103107.4), dbSNP rs774047416, ClinGen allele CA2580063078.